The following is an entry in ClinVar:

ClinVar aggregate classification (germline): Uncertain significance (1 of 4 stars; one submission).

Conditions:
Epidermolysis bullosa simplex 5B, with muscular dystrophy (EBS5B). Also called: EPIDERMOLYSIS BULLOSA SIMPLEX AND LIMB-GIRDLE MUSCULAR DYSTROPHY; Epidermolysis bullosa simplex with muscular dystrophy. Identifiers: Orphanet 257, MedGen C2931072, MONDO:0009181, OMIM 226670.
Epidermolysis bullosa simplex 5C, with pyloric atresia (EBS5C). Also called: Epidermolysis bullosa simplex with pyloric atresia; PLEC-Related Epidermolysis Bullosa with Pyloric Atresia; PLEC1-Related Epidermolysis Bullosa with Pyloric Atresia. Identifiers: Orphanet 158684, MedGen C2677349, MONDO:0012807, OMIM 612138.
Autosomal recessive limb-girdle muscular dystrophy type 2Q (LGMDR17). Also called: MUSCULAR DYSTROPHY, LIMB-GIRDLE, AUTOSOMAL RECESSIVE 17. Identifiers: Orphanet 254361, MedGen C3150989, MONDO:0013390, OMIM 613723.
Epidermolysis bullosa simplex with nail dystrophy (EBS5D). Identifiers: MedGen C4225309, MONDO:0014661, OMIM 616487.
Epidermolysis bullosa simplex, Ogna type (EBS5A). Also called: Pidermolysis bullosa simplex 5A, Ogna type; EPIDERMOLYSIS BULLOSA SIMPLEX 5A, OGNA TYPE. Identifiers: Orphanet 79401, MedGen C0432317, MONDO:0007555, OMIM 131950.

Allele frequency attached by ClinVar (database versions not stated): gnomAD exomes below 0.00001.
gnomAD v4.1: 3 of 1,613,032 alleles (0.00019%); highest among the groups gnomAD compares: Non-Finnish European, 0.00025%; no homozygotes.

Submission:

Labcorp Genetics (formerly Invitae), Labcorp
Classification: Uncertain significance for Autosomal recessive limb-girdle muscular dystrophy type 2Q; Epidermolysis bullosa simplex, Ogna type; Epidermolysis bullosa simplex with nail dystrophy; Epidermolysis bullosa simplex 5C, with pyloric atresia; Epidermolysis bullosa simplex 5B, with muscular dystrophy. Last evaluated: 2025-02-20. Review status: criteria provided, single submitter. Criteria: Invitae Variant Classification Sherloc (09022015). Collection method: clinical testing. Allele origin: germline.
Comment: This sequence change replaces threonine, which is neutral and polar, with isoleucine, which is neutral and non-polar, at codon 2733 of the PLEC protein (p.Thr2733Ile). This variant is not present in population databases (gnomAD no frequency). This variant has not been reported in the literature in individuals affected with PLEC-related conditions. ClinVar contains an entry for this variant (Variation ID: 1039838). An algorithm developed to predict the effect of missense changes on protein structure and function (PolyPhen-2) suggests that this variant is likely to be disruptive. In summary, the available evidence is currently insufficient to determine the role of this variant in disease. Therefore, it has been classified as a Variant of Uncertain Significance.

NM_201384.3(PLEC):c.8117C>T (p.Thr2706Ile)

Gene: PLEC (plectin; minus strand). Cytogenetic location: 8q24.3.
Variant type: single nucleotide variant.
Coding change: c.8117C>T on transcript NM_201384.3 (MANE Select); coding-DNA position 8117, C replaced by T.
Protein change: p.Thr2706Ile; replaces threonine 2706 with isoleucine.
Molecular consequence: missense variant.
Genome position (GRCh38, 1-based): chr8:143,921,704, G>A on the plus strand (C>T on the coding strand, the complement: PLEC is on the minus strand). VCF-style: chr8-143921704-G-A. GRCh37 (hg19) VCF-style: chr8-144995872-G-A.
Other names: c.8198C>T, p.Thr2733Ile (NM_000445.5); c.8075C>T, p.Thr2692Ile (NM_201378.4); c.8051C>T, p.Thr2684Ile (NM_201379.3); c.8528C>T, p.Thr2843Ile (NM_201380.4); c.8021C>T, p.Thr2674Ile (NM_201381.3); c.8117C>T, p.Thr2706Ile (NM_201382.4); c.8129C>T, p.Thr2710Ile (NM_201383.3); short protein forms T2710I, T2692I, T2674I, T2706I, T2843I, T2684I, T2733I.
Identifiers: ClinVar variation 1039838 (VCV001039838.5), dbSNP rs1026634250, ClinGen allele CA187612342.